The following is an entry in ClinVar:

ClinVar aggregate classification (germline): other (0 of 4 stars; one submission).

Conditions:
Familial colorectal cancer. Identifiers: MedGen CN280943, MONDO:0023113. Disease mechanism: loss of function.

Submission:

Systems Biology Platform Zhejiang California International NanoSystems Institute
Classification: other for Familial colorectal cancer. Review status: no assertion criteria provided. Collection method: not provided. Allele origin: unknown.
ClinVar note: Converted during submission from cancer to other.

NC_000005.10:g.112847814T>C

Variant type: single nucleotide variant.
Genome position: GRCh38 VCF-style: chr5-112847814-T-C. GRCh37 (hg19) VCF-style: chr5-112183511-T-C.
Identifiers: ClinVar variation 83278 (VCV000083278.3), dbSNP rs74861083, ClinGen allele CA250970.
Genomic context (GRCh38, chr5:112,847,814, plus strand): 5'-AAAATTACTTTGTAATGTTGAAACCTATAGACTGTGGCTCCTGTAAACCCCAGGTCATTT[T>C]CCTGCCATTCTTACAACTCTGTCTAAGATCTATAAAAGTATATTCTGCTTTTTGTTAGGC-3'